The following is an entry in ClinVar:

NM_002474.3(MYH11):c.126G>C (p.Lys42Asn)

Gene: MYH11 (myosin heavy chain 11; minus strand). Cytogenetic location: 16p13.11.
Variant type: single nucleotide variant.
Coding change: c.126G>C on transcript NM_002474.3 (MANE Select); coding-DNA position 126, G replaced by C.
Protein change: p.Lys42Asn; replaces lysine 42 with asparagine.
Molecular consequence: missense variant.
Genome position (GRCh38, 1-based): chr16:15,838,127, C>G on the plus strand (G>C on the coding strand, the complement: MYH11 is on the minus strand). VCF-style: chr16-15838127-C-G. GRCh37 (hg19) VCF-style: chr16-15931984-C-G.
Other names: c.126G>C, p.Lys42Asn (NM_001040113.2, NM_001040114.2, NM_022844.3); short protein forms K42N.
Identifiers: ClinVar variation 4745975 (VCV004745975.1).

ClinVar aggregate classification (germline): Uncertain significance (1 of 4 stars; one submission).

Conditions:
Aortic aneurysm, familial thoracic 4 (AAT4). Also called: AORTIC ANEURYSM/AORTIC DISSECTION AND PATENT DUCTUS ARTERIOSUS. Identifiers: MedGen C1851504, MONDO:0007568, OMIM 132900.

Submission:

Labcorp Genetics (formerly Invitae), Labcorp
Classification: Uncertain significance for Aortic aneurysm, familial thoracic 4. Last evaluated: 2025-12-15. Review status: criteria provided, single submitter. Criteria: Invitae Variant Classification Sherloc (09022015). Collection method: clinical testing. Allele origin: germline.
Comment: This sequence change replaces lysine, which is basic and polar, with asparagine, which is neutral and polar, at codon 42 of the MYH11 protein (p.Lys42Asn). This variant is not present in population databases (gnomAD no frequency). This variant has not been reported in the literature in individuals affected with MYH11-related conditions. Invitae Evidence Modeling of protein sequence and biophysical properties (such as structural, functional, and spatial information, amino acid conservation, physicochemical variation, residue mobility, and thermodynamic stability) indicates that this missense variant is not expected to disrupt MYH11 protein function with a negative predictive value of 95%. In summary, the available evidence is currently insufficient to determine the role of this variant in disease. Therefore, it has been classified as a Variant of Uncertain Significance.